The following is an entry in ClinVar:

ClinVar aggregate classification (germline): Uncertain significance (1 of 4 stars; one submission).

Conditions:
Aortic aneurysm, familial thoracic 4 (AAT4). Also called: AORTIC ANEURYSM/AORTIC DISSECTION AND PATENT DUCTUS ARTERIOSUS. Identifiers: MedGen C1851504, MONDO:0007568, OMIM 132900.

Submission:

Labcorp Genetics (formerly Invitae), Labcorp
Classification: Uncertain significance for Aortic aneurysm, familial thoracic 4. Last evaluated: 2025-10-31. Review status: criteria provided, single submitter. Criteria: Invitae Variant Classification Sherloc (09022015). Collection method: clinical testing. Allele origin: germline.
Comment: This sequence change replaces isoleucine, which is neutral and non-polar, with phenylalanine, which is neutral and non-polar, at codon 1085 of the MYH11 protein (p.Ile1085Phe). This variant is not present in population databases (gnomAD no frequency). This variant has not been reported in the literature in individuals affected with MYH11-related conditions. ClinVar contains an entry for this variant (Variation ID: 3683029). Invitae Evidence Modeling of protein sequence and biophysical properties (such as structural, functional, and spatial information, amino acid conservation, physicochemical variation, residue mobility, and thermodynamic stability) indicates that this missense variant is not expected to disrupt MYH11 protein function with a negative predictive value of 95%. In summary, the available evidence is currently insufficient to determine the role of this variant in disease. Therefore, it has been classified as a Variant of Uncertain Significance.

NM_002474.3(MYH11):c.3232A>T (p.Ile1078Phe)

Gene: MYH11 (myosin heavy chain 11; minus strand). Cytogenetic location: 16p13.11.
Variant type: single nucleotide variant.
Coding change: c.3232A>T on transcript NM_002474.3 (MANE Select); coding-DNA position 3232, A replaced by T.
Protein change: p.Ile1078Phe; replaces isoleucine 1078 with phenylalanine.
Molecular consequence: missense variant.
Genome position (GRCh38, 1-based): chr16:15,737,510, T>A on the plus strand (A>T on the coding strand, the complement: MYH11 is on the minus strand). VCF-style: chr16-15737510-T-A. GRCh37 (hg19) VCF-style: chr16-15831367-T-A.
Other names: c.3253A>T, p.Ile1085Phe (NM_001040113.2, NM_001040114.2); c.3232A>T, p.Ile1078Phe (NM_022844.3); short protein forms I1078F, I1085F.
Identifiers: ClinVar variation 3683029 (VCV003683029.2).